The following is an entry in ClinVar:

ClinVar aggregate classification (germline): Likely benign. Review status: criteria provided, multiple submitters, no conflicts (2 of 4 stars). 3 submissions from 3 submitters: Likely benign (3). Last evaluated 2026-05-01.

Allele frequency attached by ClinVar (database versions not stated): gnomAD 0.00210 and 0.00235; TOPMed 0.00274; ESP Exome Variant Server 0.00284; gnomAD exomes 0.00292; ExAC 0.00322; 1000 Genomes Project 0.00359; 1000 Genomes Project 30x 0.00359.
gnomAD v4.1: 4,198 of 1,614,112 alleles (0.26%); highest among the groups gnomAD compares: South Asian, 0.87%; 37 homozygotes.

Submissions (3):

CeGaT Center for Human Genetics Tuebingen
Classification: Likely benign. Last evaluated: 2026-05-01. Review status: criteria provided, single submitter. Criteria: CeGaT Center For Human Genetics Tuebingen Variant Classification Criteria Version 2. Collection method: clinical testing. Allele origin: germline. Affected: yes. Observed: 6 variant alleles.
Comment: FLT1: BP4, BS2

Labcorp Genetics (formerly Invitae), Labcorp
Classification: Likely benign. Last evaluated: 2018-07-25. Review status: criteria provided, single submitter. Criteria: Invitae Variant Classification Sherloc (09022015). Collection method: clinical testing. Allele origin: germline.

Breakthrough Genomics
Classification: Likely benign. Review status: criteria provided, single submitter. Criteria: ACMG Guidelines, 2015. Collection method: not provided. Allele origin: germline. Inheritance: Unknown mechanism. Affected: yes.

NM_002019.4(FLT1):c.2812A>G (p.Met938Val)

Genes: FLT1 (fms related receptor tyrosine kinase 1; minus strand), LOC126861720 (BRD4-independent group 4 enhancer GRCh37_chr13:28896366-28897565; plus strand). Cytogenetic location: 13q12.3.
Variant type: single nucleotide variant.
Coding change: c.2812A>G on transcript NM_002019.4 (MANE Select); coding-DNA position 2812, A replaced by G.
Protein change: p.Met938Val; replaces methionine 938 with valine.
Molecular consequence: missense variant.
Genome position (GRCh38, 1-based): chr13:28,322,931, T>C on the plus strand (A>G on the coding strand, the complement: FLT1 is on the minus strand). VCF-style: chr13-28322931-T-C. GRCh37 (hg19) VCF-style: chr13-28897068-T-C.
Other names: short protein forms M938V.
Identifiers: ClinVar variation 778082 (VCV000778082.38), dbSNP rs35549791, ClinGen allele CA6930139.